The following is an entry in ClinVar:

ClinVar aggregate classification (germline): Uncertain significance. Review status: criteria provided, multiple submitters, no conflicts (2 of 4 stars). 4 submissions from 4 submitters: Uncertain significance (4). Last evaluated 2025-10-06.

Conditions:
SRCAP-related disorder. Also called: SRCAP-related condition.
Inborn genetic diseases. Identifiers: MedGen C0950123, MeSH D030342.

Allele frequency attached by ClinVar (database versions not stated): TOPMed below 0.00001.

Submissions (4):

Greenwood Genetic Center Diagnostic Laboratories, Greenwood Genetic Center
Classification: Uncertain significance. Last evaluated: 2025-10-06. Review status: criteria provided, single submitter. Criteria: ACMG Guidelines, 2015. Collection method: clinical testing. Allele origin: germline. Affected: yes.
Comment: PM2, PP2, PP3

PreventionGenetics, part of Exact Sciences
Classification: Uncertain significance for SRCAP-related condition. Last evaluated: 2024-12-05. Review status: criteria provided, single submitter. Criteria: ACMG Guidelines, 2015. Collection method: clinical testing. Allele origin: germline.
Comment: The SRCAP c.2272C>T variant is predicted to result in the amino acid substitution p.Arg758Cys. To our knowledge, this variant has not been reported in the literature or in a large population database (gnomAD), indicating this variant is rare. At this time, the clinical significance of this variant is uncertain due to the absence of conclusive functional and genetic evidence.

Ambry Genetics
Classification: Uncertain significance for Inborn genetic diseases. Last evaluated: 2024-09-30. Review status: criteria provided, single submitter. Criteria: Ambry Variant Classification Scheme 2023. Collection method: clinical testing. Allele origin: germline.

Revvity Omics, Revvity
Classification: Uncertain significance. Last evaluated: 2021-04-30. Review status: criteria provided, single submitter. Criteria: ACMG Guidelines, 2015. Collection method: clinical testing. Allele origin: germline.

NM_006662.3(SRCAP):c.2272C>T (p.Arg758Cys)

Gene: SRCAP (Snf2 related CREBBP activator protein; plus strand). Cytogenetic location: 16p11.2.
Variant type: single nucleotide variant.
Coding change: c.2272C>T on transcript NM_006662.3 (MANE Select); coding-DNA position 2272, C replaced by T.
Protein change: p.Arg758Cys; replaces arginine 758 with cysteine.
Molecular consequence: missense variant.
Genome position (GRCh38, 1-based): chr16:30,713,349, C>T. VCF-style: chr16-30713349-C-T. GRCh37 (hg19) VCF-style: chr16-30724670-C-T.
Other names: c.2272C>T (NM_006662.2); short protein forms R758C.
Identifiers: ClinVar variation 2436488 (VCV002436488.6), dbSNP rs2052912253, ClinGen allele CA395608921.